The following is an entry in ClinVar:

ClinVar aggregate classification (germline): Benign. Review status: criteria provided, multiple submitters, no conflicts (2 of 4 stars). 4 submissions from 4 submitters: Benign (3). 1 of the submissions does not count toward it. Last evaluated 2022-03-24.

Conditions:
POGLUT1-related disorder. Also called: POGLUT1-related condition.

Allele frequency attached by ClinVar (database versions not stated): ESP Exome Variant Server 0.13986; ExAC 0.17089; 1000 Genomes Project 0.11921; 1000 Genomes Project 30x 0.12039; gnomAD 0.14349 and 0.14462; TOPMed 0.14542; gnomAD exomes 0.17464 and 0.19182.
gnomAD v4.1: 289,753 of 1,553,716 alleles (19%); highest among the groups gnomAD compares: Admixed American, 24%; 28,760 homozygotes.

Submissions (4):

Mayo Clinic Laboratories, Mayo Clinic
Classification: Benign. Last evaluated: 2022-03-24. Review status: criteria provided, single submitter. Criteria: ACMG Guidelines, 2015. Collection method: clinical testing. Allele origin: germline. Observed: 174 variant alleles.

GeneDx
Classification: Benign. Last evaluated: 2018-09-04. Review status: criteria provided, single submitter. Criteria: GeneDx Variant Classification Process June 2021. Collection method: clinical testing. Allele origin: germline. Affected: yes.

Breakthrough Genomics
Classification: Benign. Review status: criteria provided, single submitter. Criteria: ACMG Guidelines, 2015. Collection method: not provided. Allele origin: germline. Inheritance: Autosomal recessive inheritance. Affected: yes.

PreventionGenetics, part of Exact Sciences
Classification: Benign for POGLUT1-related condition. Last evaluated: 2019-05-02. Review status: no assertion criteria provided. Collection method: clinical testing. Allele origin: germline. Not counted in ClinVar's aggregate classification.
Comment: This variant is classified as benign based on ACMG/AMP sequence variant interpretation guidelines (Richards et al. 2015 PMID: 25741868, with internal and published modifications).

NM_152305.3(POGLUT1):c.*9A>G

Gene: POGLUT1 (protein O-glucosyltransferase 1; plus strand). Cytogenetic location: 3q13.33.
Variant type: single nucleotide variant.
Coding change: c.*9A>G on transcript NM_152305.3 (MANE Select); 9 bases downstream of the stop codon, A replaced by G.
Molecular consequence: 3 prime UTR variant. On other transcripts: non-coding transcript variant (1).
Genome position (GRCh38, 1-based): chr3:119,492,447, A>G. VCF-style: chr3-119492447-A-G. GRCh37 (hg19) VCF-style: chr3-119211294-A-G.
Other names: c.*9A>G (NM_152305.2).
Identifiers: ClinVar variation 1227871 (VCV001227871.7), dbSNP rs1997341, ClinGen allele CA2555069.